The following is an entry in ClinVar:

ClinVar aggregate classification (germline): Uncertain significance (1 of 4 stars; one submission).

Conditions:
TGFB3-related disorder. Also called: TGFB3-related condition.

Submission:

PreventionGenetics, part of Exact Sciences
Classification: Uncertain significance for TGFB3-related condition. Last evaluated: 2023-04-18. Review status: criteria provided, single submitter. Criteria: ACMG Guidelines, 2015. Collection method: clinical testing. Allele origin: germline.
Comment: The TGFB3 c.22G>A variant is predicted to result in the amino acid substitution p.Ala8Thr. To our knowledge, this variant has not been reported in the literature or in a large population database, indicating this variant is rare. At this time, the clinical significance of this variant is uncertain due to the absence of conclusive functional and genetic evidence.

NM_003239.5(TGFB3):c.22G>A (p.Ala8Thr)

Gene: TGFB3 (transforming growth factor beta 3; minus strand). Cytogenetic location: 14q24.3.
Variant type: single nucleotide variant.
Coding change: c.22G>A on transcript NM_003239.5 (MANE Select); coding-DNA position 22, G replaced by A.
Protein change: p.Ala8Thr; replaces alanine 8 with threonine.
Molecular consequence: missense variant.
Genome position (GRCh38, 1-based): chr14:75,980,872, C>T on the plus strand (G>A on the coding strand, the complement: TGFB3 is on the minus strand). VCF-style: chr14-75980872-C-T. GRCh37 (hg19) VCF-style: chr14-76447215-C-T.
Other names: c.22G>A, p.Ala8Thr (NM_001329938.2, NM_001329939.2); short protein forms A8T.
Identifiers: ClinVar variation 2633286 (VCV002633286.1), dbSNP rs2503024340, ClinGen allele CA390471945.